The following is an entry in ClinVar:

NM_144666.3(DNHD1):c.2909C>A (p.Thr970Asn)

Gene: DNHD1 (dynein heavy chain domain 1; plus strand). Cytogenetic location: 11p15.4.
Variant type: single nucleotide variant.
Coding change: c.2909C>A on transcript NM_144666.3 (MANE Select); coding-DNA position 2909, C replaced by A.
Protein change: p.Thr970Asn; replaces threonine 970 with asparagine.
Molecular consequence: missense variant.
Genome position (GRCh38, 1-based): chr11:6,534,084, C>A. VCF-style: chr11-6534084-C-A. GRCh37 (hg19) VCF-style: chr11-6555314-C-A.
Other names: c.2909C>A (NM_144666.2); short protein forms T970N.
Identifiers: ClinVar variation 806606 (VCV000806606.42), dbSNP rs963466933, ClinGen allele CA217304370.

ClinVar aggregate classification (germline): Uncertain significance. Review status: criteria provided, multiple submitters, no conflicts (2 of 4 stars). 2 submissions from 2 submitters: Uncertain significance (2). Last evaluated 2025-11-20.

Allele frequency attached by ClinVar (database versions not stated): gnomAD 0.00001 and 0.00002; gnomAD exomes 0.00001 and 0.00003; TOPMed 0.00002.
gnomAD v4.1: 21 of 1,551,450 alleles (0.0014%); highest among the groups gnomAD compares: Middle Eastern, 0.033%; no homozygotes.

Submissions (2):

Ambry Genetics
Classification: Uncertain significance. Last evaluated: 2025-11-20. Review status: criteria provided, single submitter. Criteria: Ambry Variant Classification Scheme 2023. Collection method: clinical testing. Allele origin: germline.

CeGaT Center for Human Genetics Tuebingen
Classification: Uncertain significance. Last evaluated: 2024-03-01. Review status: criteria provided, single submitter. Criteria: CeGaT Center For Human Genetics Tuebingen Variant Classification Criteria Version 2. Collection method: clinical testing. Allele origin: germline. Affected: yes. Observed: 3 variant alleles.
Comment: DNHD1: PM2, BP4